The following is an entry in ClinVar:

NM_001330640.2(DENND4C):c.2418A>C (p.Val806=)

Gene: DENND4C (DENN domain containing 4C; plus strand). Cytogenetic location: 9p22.1.
Variant type: single nucleotide variant.
Coding change: c.2418A>C on transcript NM_001330640.2 (MANE Select); coding-DNA position 2418, A replaced by C.
Protein change: p.Val806=; no amino-acid change (valine 806 retained).
Molecular consequence: synonymous variant. On other transcripts: non-coding transcript variant (12), intron variant (3).
Genome position (GRCh38, 1-based): chr9:19,332,142, A>C. VCF-style: chr9-19332142-A-C. GRCh37 (hg19) VCF-style: chr9-19332140-A-C.
Other names: c.2418A>C, p.Val806= (NM_001386026.2, NM_001386038.1, NM_001386040.1 and 4 more transcripts); c.2313A>C, p.Val771= (NM_001386030.1); c.723A>C, p.Val241= (NM_001386031.1); c.912A>C, p.Val304= (NM_001386032.1, NM_001386034.1, NM_001386039.1); c.1362A>C, p.Val454= (NM_001386035.1); c.1236A>C, p.Val412= (NM_001386036.1); c.1710A>C, p.Val570= (NM_001386043.1, NM_001386044.1, NM_001386048.1); c.2254-2835A>C (NM_001386037.1, NM_001386041.1, NM_001386046.1).
Identifiers: ClinVar variation 2659105 (VCV002659105.24), dbSNP rs142191750, ClinGen allele CA5003208.

ClinVar aggregate classification (germline): Likely benign (1 of 4 stars; one submission).

Allele frequency attached by ClinVar (database versions not stated): 1000 Genomes Project 30x 0.00078; 1000 Genomes Project 0.00080; TOPMed 0.00394; gnomAD 0.00407; ESP Exome Variant Server 0.00461; ExAC 0.00498.
gnomAD v4.1: 10,003 of 1,614,014 alleles (0.62%); highest among the groups gnomAD compares: Non-Finnish European, 0.79%; 53 homozygotes.

Submission:

CeGaT Center for Human Genetics Tuebingen
Classification: Likely benign. Last evaluated: 2023-02-01. Review status: criteria provided, single submitter. Criteria: CeGaT Center For Human Genetics Tuebingen Variant Classification Criteria Version 2. Collection method: clinical testing. Allele origin: germline. Affected: yes. Observed: 1 variant allele.
Comment: DENND4C: BP4, BP7, BS2